The following is an entry in ClinVar:

NM_004304.5(ALK):c.4059C>G (p.Asn1353Lys)

Gene: ALK (ALK receptor tyrosine kinase; minus strand). Cytogenetic location: 2p23.2.
Variant type: single nucleotide variant.
Coding change: c.4059C>G on transcript NM_004304.5 (MANE Select); coding-DNA position 4059, C replaced by G.
Protein change: p.Asn1353Lys; replaces asparagine 1353 with lysine.
Molecular consequence: missense variant.
Genome position (GRCh38, 1-based): chr2:29,197,556, G>C on the plus strand (C>G on the coding strand, the complement: ALK is on the minus strand). VCF-style: chr2-29197556-G-C. GRCh37 (hg19) VCF-style: chr2-29420422-G-C.
Other names: c.855C>G, p.Asn285Lys (NM_001353765.2); short protein forms N1353K, N285K.
Identifiers: ClinVar variation 2058158 (VCV002058158.4), dbSNP rs1352529334, ClinGen allele CA346465829.

ClinVar aggregate classification (germline): Uncertain significance (1 of 4 stars; one submission).

Conditions:
Neuroblastoma, susceptibility to, 3. Also called: ALK-Related Neuroblastic Tumor Susceptibility. Identifiers: Orphanet 635, MedGen C2751681, MONDO:0013083, OMIM 613014.

gnomAD v4.1: 1 of 1,613,664 alleles (0.000062%); highest among the groups gnomAD compares: Non-Finnish European, 0.000085%; no homozygotes.

Submission:

Labcorp Genetics (formerly Invitae), Labcorp
Classification: Uncertain significance for Neuroblastoma, susceptibility to, 3. Last evaluated: 2021-12-24. Review status: criteria provided, single submitter. Criteria: Invitae Variant Classification Sherloc (09022015). Collection method: clinical testing. Allele origin: germline.
Comment: This sequence change replaces asparagine, which is neutral and polar, with lysine, which is basic and polar, at codon 1353 of the ALK protein (p.Asn1353Lys). This variant is not present in population databases (gnomAD no frequency). This variant has not been reported in the literature in individuals affected with ALK-related conditions. Algorithms developed to predict the effect of missense changes on protein structure and function are either unavailable or do not agree on the potential impact of this missense change (SIFT: "Deleterious"; PolyPhen-2: "Possibly Damaging"; Align-GVGD: "Class C0"). In summary, the available evidence is currently insufficient to determine the role of this variant in disease. Therefore, it has been classified as a Variant of Uncertain Significance.